The following is an entry in ClinVar:

NM_152564.5(VPS13B):c.3390T>A (p.Tyr1130Ter)

Gene: VPS13B (vacuolar protein sorting 13 homolog B; plus strand). Cytogenetic location: 8q22.2.
Variant type: single nucleotide variant.
Coding change: c.3390T>A on transcript NM_152564.5 (MANE Select); coding-DNA position 3390, T replaced by A.
Protein change: p.Tyr1130Ter; replaces tyrosine 1130 with a stop codon.
Molecular consequence: nonsense.
Genome position (GRCh38, 1-based): chr8:99,442,580, T>A. VCF-style: chr8-99442580-T-A. GRCh37 (hg19) VCF-style: chr8-100454808-T-A.
Other names: c.3390T>A, p.Tyr1130Ter (NM_017890.5); short protein forms Y1130*.
Identifiers: ClinVar variation 2860510 (VCV002860510.3), dbSNP rs2490163240, ClinGen allele CA371871035.
Genomic context (GRCh38, chr8:99,442,580, plus strand): 5'-GCCGGGAACACTTGTCCTCTGTTTGCCTCAAATAAAGATTATTAGTGCTGGGCACAAGTA[T>A]ATGGAACCTCTGCAGGAGATTCCATTTGTTATCCCACGACCCATCCTTGAAGAAGGTATA-3'

ClinVar aggregate classification (germline): Pathogenic (1 of 4 stars; one submission).

Conditions:
Cohen syndrome (COH1). Also called: Cutis verticis gyrata, retinitis pigmentosa, and sensorineural deafness; PEPPER SYNDROME. Identifiers: Orphanet 193, MedGen C0265223, MONDO:0008999, OMIM 216550.

Submission:

Labcorp Genetics (formerly Invitae), Labcorp
Classification: Pathogenic for Cohen syndrome. Last evaluated: 2023-04-29. Review status: criteria provided, single submitter. Criteria: Invitae Variant Classification Sherloc (09022015). Collection method: clinical testing. Allele origin: germline.
Comment: For these reasons, this variant has been classified as Pathogenic. This variant has not been reported in the literature in individuals affected with VPS13B-related conditions. This variant is not present in population databases (gnomAD no frequency). This sequence change creates a premature translational stop signal (p.Tyr1130*) in the VPS13B gene. It is expected to result in an absent or disrupted protein product. Loss-of-function variants in VPS13B are known to be pathogenic (PMID: 15141358, 16648375, 20461111).

Literature cited by the submitters: PubMed 15141358; PubMed 16648375; PubMed 20461111.